The following is an entry in ClinVar:

NM_020461.4(TUBGCP6):c.2918C>T (p.Ala973Val)

Gene: TUBGCP6 (tubulin gamma complex component 6; minus strand). Cytogenetic location: 22q13.33.
Variant type: single nucleotide variant.
Coding change: c.2918C>T on transcript NM_020461.4 (MANE Select); coding-DNA position 2918, C replaced by T.
Protein change: p.Ala973Val; replaces alanine 973 with valine.
Molecular consequence: missense variant.
Genome position (GRCh38, 1-based): chr22:50,221,441, G>A on the plus strand (C>T on the coding strand, the complement: TUBGCP6 is on the minus strand). VCF-style: chr22-50221441-G-A. GRCh37 (hg19) VCF-style: chr22-50659870-G-A.
Other names: short protein forms A973V.
Identifiers: ClinVar variation 2078025 (VCV002078025.4), dbSNP rs2064521634, ClinGen allele CA412186007.
Genomic context (GRCh38, chr22:50,221,441, plus strand): 5'-TCCATCTTCCCACAACTGTCCTCCCACAGCTGTAGCCCTGAGCTGCCCAAGCTGCACTCT[G>A]CAGCCTGCAGGGGCCCTGGTGCAGGTGAGGTGGCCACAGCTGGCCTCAGGACAGTACTAA-3'
Protein context (NP_065194.3, residues 963-983): TSPAPGPLQA[Ala973Val]ECSLGSSGLQ

ClinVar aggregate classification (germline): Uncertain significance (1 of 4 stars; one submission).

Allele frequency attached by ClinVar (database versions not stated): gnomAD exomes below 0.00001; TOPMed below 0.00001.
gnomAD v4.1: 1 of 1,597,588 alleles (0.000063%); highest among the groups gnomAD compares: African/African-American, 0.0013%; no homozygotes.

Submission:

Labcorp Genetics (formerly Invitae), Labcorp
Classification: Uncertain significance. Last evaluated: 2022-10-13. Review status: criteria provided, single submitter. Criteria: Invitae Variant Classification Sherloc (09022015). Collection method: clinical testing. Allele origin: germline.
Comment: This variant is not present in population databases (gnomAD no frequency). This sequence change replaces alanine, which is neutral and non-polar, with valine, which is neutral and non-polar, at codon 973 of the TUBGCP6 protein (p.Ala973Val). This variant has not been reported in the literature in individuals affected with TUBGCP6-related conditions. Algorithms developed to predict the effect of missense changes on protein structure and function output the following: SIFT: "Deleterious"; PolyPhen-2: "Benign"; Align-GVGD: "Class C0". The valine amino acid residue is found in multiple mammalian species, which suggests that this missense change does not adversely affect protein function. In summary, the available evidence is currently insufficient to determine the role of this variant in disease. Therefore, it has been classified as a Variant of Uncertain Significance.